The following is an entry in ClinVar:

NM_001077415.3(CRELD1):c.1049-393C>T

Gene: CRELD1 (CRELD disulfide isomerase 1; plus strand). Cytogenetic location: 3p25.3.
Variant type: single nucleotide variant.
Coding change: c.1049-393C>T on transcript NM_001077415.3 (MANE Select); 393 bases into the intron before coding-DNA position 1049, C replaced by T.
Molecular consequence: intron variant. On other transcripts: synonymous variant (3).
Genome position (GRCh38, 1-based): chr3:9,943,972, C>T. VCF-style: chr3-9943972-C-T. GRCh37 (hg19) VCF-style: chr3-9985656-C-T.
Other names: p.H373H:CAC>CAT; c.1119C>T, p.His373= (NM_001031717.4); c.1131C>T, p.His377= (NM_001374317.1, NM_001374318.1); c.965-393C>T (NM_001374319.1, NM_001374320.1); c.1049-393C>T (NM_001374316.1, NM_015513.6).
Identifiers: ClinVar variation 137030 (VCV000137030.15), dbSNP rs3774207, ClinGen allele CA2247934.

ClinVar aggregate classification (germline): Benign/Likely benign. Review status: criteria provided, multiple submitters, no conflicts (2 of 4 stars). 6 submissions from 6 submitters: Benign (3); Likely benign (1). 2 of the submissions do not count toward it. Last evaluated 2026-02-03.

Conditions:
Atrioventricular septal defect, susceptibility to, 2. Identifiers: MedGen C1853508, MONDO:0011650, OMIM 606217.

Allele frequency attached by ClinVar (database versions not stated): gnomAD exomes 0.27161 and 0.25312; ExAC 0.27848; gnomAD 0.36830 and 0.37804; 1000 Genomes Project 0.37999; 1000 Genomes Project 30x 0.39460; TOPMed 0.39501; ESP Exome Variant Server 0.40551.

Submissions (6):

Labcorp Genetics (formerly Invitae), Labcorp
Classification: Benign for Atrioventricular septal defect, susceptibility to, 2. Last evaluated: 2026-02-03. Review status: criteria provided, single submitter. Criteria: Invitae Variant Classification Sherloc (09022015). Collection method: clinical testing. Allele origin: germline.

Blueprint Genetics
Classification: Likely benign. Last evaluated: 2024-11-26. Review status: criteria provided, single submitter. Criteria: ACMG Guidelines, 2015. Collection method: clinical testing. Allele origin: germline.

GeneDx
Classification: Benign. Last evaluated: 2012-12-31. Review status: criteria provided, single submitter. Criteria: GeneDx Variant Classification (06012015). Collection method: clinical testing. Allele origin: germline. Affected: yes.
Comment: This variant is considered likely benign or benign based on one or more of the following criteria: it is a conservative change, it occurs at a poorly conserved position in the protein, it is predicted to be benign by multiple in silico algorithms, and/or has population frequency not consistent with disease.

Breakthrough Genomics
Classification: Benign. Review status: criteria provided, single submitter. Criteria: ACMG Guidelines, 2015. Collection method: not provided. Allele origin: germline. Inheritance: Autosomal dominant inheritance. Affected: yes.

Diagnostic Laboratory, Department of Genetics, University Medical Center Groningen
Classification: Benign. Review status: no assertion criteria provided. Collection method: clinical testing. Allele origin: germline. Affected: yes. Study: VKGL Data-share Consensus. Not counted in ClinVar's aggregate classification.

Joint Genome Diagnostic Labs from Nijmegen and Maastricht, Radboudumc and MUMC+
Classification: Likely benign. Review status: no assertion criteria provided. Collection method: clinical testing. Allele origin: germline. Affected: yes. Study: VKGL Data-share Consensus. Not counted in ClinVar's aggregate classification.